The following is an entry in ClinVar:

ClinVar aggregate classification (germline): Uncertain significance (1 of 4 stars; one submission).

gnomAD v4.1: 1 of 1,613,870 alleles (0.000062%); highest among the groups gnomAD compares: Non-Finnish European, 0.000085%; no homozygotes.

Submission:

Labcorp Genetics (formerly Invitae), Labcorp
Classification: Uncertain significance. Last evaluated: 2025-05-12. Review status: criteria provided, single submitter. Criteria: Invitae Variant Classification Sherloc (09022015). Collection method: clinical testing. Allele origin: germline.
Comment: This sequence change replaces asparagine, which is neutral and polar, with lysine, which is basic and polar, at codon 228 of the DLST protein (p.Asn228Lys). This variant is present in population databases (rs774119387, gnomAD 0.0009%). This variant has not been reported in the literature in individuals affected with DLST-related conditions. ClinVar contains an entry for this variant (Variation ID: 3641018). Invitae Evidence Modeling of protein sequence and biophysical properties (such as structural, functional, and spatial information, amino acid conservation, physicochemical variation, residue mobility, and thermodynamic stability) indicates that this missense variant is not expected to disrupt DLST protein function with a negative predictive value of 80%. In summary, the available evidence is currently insufficient to determine the role of this variant in disease. Therefore, it has been classified as a Variant of Uncertain Significance.

NM_001933.5(DLST):c.684C>G (p.Asn228Lys)

Gene: DLST (dihydrolipoamide S-succinyltransferase; plus strand). Cytogenetic location: 14q24.3.
Variant type: single nucleotide variant.
Coding change: c.684C>G on transcript NM_001933.5 (MANE Select); coding-DNA position 684, C replaced by G.
Protein change: p.Asn228Lys; replaces asparagine 228 with lysine.
Molecular consequence: missense variant. On other transcripts: non-coding transcript variant (2).
Genome position (GRCh38, 1-based): chr14:74,894,323, C>G. VCF-style: chr14-74894323-C-G. GRCh37 (hg19) VCF-style: chr14-75361026-C-G.
Other names: short protein forms N228K.
Identifiers: ClinVar variation 3641018 (VCV003641018.2).